The following is an entry in ClinVar:

NM_032043.3(BRIP1):c.3009A>C (p.Ser1003=)

Gene: BRIP1 (BRCA1 interacting DNA helicase 1; minus strand). Cytogenetic location: 17q23.2.
Variant type: single nucleotide variant.
Coding change: c.3009A>C on transcript NM_032043.3 (MANE Select); coding-DNA position 3009, A replaced by C.
Protein change: p.Ser1003=; no amino-acid change (serine 1003 retained).
Molecular consequence: synonymous variant.
Genome position (GRCh38, 1-based): chr17:61,684,037, T>G on the plus strand (A>C on the coding strand, the complement: BRIP1 is on the minus strand). VCF-style: chr17-61684037-T-G. GRCh37 (hg19) VCF-style: chr17-59761398-T-G.
Identifiers: ClinVar variation 2946336 (VCV002946336.4), dbSNP rs751823379, ClinGen allele CA501335563.

ClinVar aggregate classification (germline): Benign/Likely benign. Review status: criteria provided, multiple submitters, no conflicts (2 of 4 stars). 2 submissions from 2 submitters: Benign (1); Likely benign (1). Last evaluated 2024-09-09.

Conditions:
Familial cancer of breast. Also called: BREAST CANCER, FAMILIAL; Hereditary breast cancer; hereditary breast carcinoma. Identifiers: Orphanet 227535, MedGen C0346153, MONDO:0016419, OMIM 114480. Disease mechanism: loss of function.
Fanconi anemia complementation group J. Also called: BRIP1-Related Fanconi Anemia. Identifiers: Orphanet 84, MedGen C1836860, MONDO:0012187, OMIM 609054.

gnomAD v4.1: 1 of 1,613,944 alleles (0.000062%); highest among the groups gnomAD compares: Non-Finnish European, 0.000085%; no homozygotes.

Submissions (2):

Myriad Genetics, Inc.
Classification: Benign for Familial cancer of breast. Last evaluated: 2024-09-09. Review status: criteria provided, single submitter. Criteria: Myriad Autosomal Dominant, Autosomal Recessive and X-Linked Classification Criteria (2023). Collection method: clinical testing. Allele origin: unknown.
Comment: This variant is considered benign. This variant is a silent/synonymous amino acid change and it is not expected to impact splicing.

Labcorp Genetics (formerly Invitae), Labcorp
Classification: Likely benign for Familial cancer of breast; Fanconi anemia complementation group J. Last evaluated: 2023-04-08. Review status: criteria provided, single submitter. Criteria: Invitae Variant Classification Sherloc (09022015). Collection method: clinical testing. Allele origin: germline.